The following is an entry in ClinVar:

NM_002880.4(RAF1):c.1516A>G (p.Thr506Ala)

Gene: RAF1 (Raf-1 proto-oncogene, serine/threonine kinase; minus strand). Cytogenetic location: 3p25.2.
Variant type: single nucleotide variant.
Coding change: c.1516A>G on transcript NM_002880.4 (MANE Select); coding-DNA position 1516, A replaced by G.
Protein change: p.Thr506Ala; replaces threonine 506 with alanine.
Molecular consequence: missense variant. On other transcripts: non-coding transcript variant (3).
Genome position (GRCh38, 1-based): chr3:12,585,701, T>C on the plus strand (A>G on the coding strand, the complement: RAF1 is on the minus strand). VCF-style: chr3-12585701-T-C. GRCh37 (hg19) VCF-style: chr3-12627200-T-C.
Other names: c.1576A>G, p.Thr526Ala (NM_001354689.3); c.1516A>G, p.Thr506Ala (NM_001354690.3); c.1273A>G, p.Thr425Ala (NM_001354691.3, NM_001354692.3); c.1417A>G, p.Thr473Ala (NM_001354693.3); c.1333A>G, p.Thr445Ala (NM_001354694.3); c.1174A>G, p.Thr392Ala (NM_001354695.3); short protein forms T392A, T425A, T445A, T473A, T506A, T526A.
Identifiers: ClinVar variation 3222900 (VCV003222900.2), dbSNP rs778788727, ClinGen allele CA2259491.
Genomic context (GRCh38, chr3:12,585,701, plus strand): 5'-CCCTATACCAGAGACTGCTGGTGGGAGCCCAGATTCTCACCATCCAGAGGACAGAGCCAG[T>C]AGGTTGTTCAACCTGCTGAGAACCACTCCAGCGTGACTTTACTGTTGCCAAACCAAAATC-3'
Protein context (NP_002871.1, residues 496-516): WSGSQQVEQP[Thr506Ala]GSVLWMAPEV

ClinVar aggregate classification (germline): Uncertain significance. Review status: criteria provided, multiple submitters, no conflicts (2 of 4 stars). 2 submissions from 2 submitters: Uncertain significance (2). Last evaluated 2025-04-09.

Conditions:
Cardiovascular phenotype. Identifiers: MedGen CN230736.

Allele frequency attached by ClinVar (database versions not stated): gnomAD exomes below 0.00001; ExAC 0.00001.
gnomAD v4.1: 1 of 1,613,296 alleles (0.000062%); highest among the groups gnomAD compares: Admixed American, 0.0017%; no homozygotes.

Submissions (2):

Molecular Diagnostic Laboratory for Inherited Cardiovascular Disease, Montreal Heart Institute
Classification: Uncertain significance for Cardiovascular phenotype. Last evaluated: 2025-04-09. Review status: criteria provided, single submitter. Criteria: ACMG Guidelines, 2015. Collection method: clinical testing. Allele origin: germline. Affected: yes.

Ambry Genetics
Classification: Uncertain significance for Cardiovascular phenotype. Last evaluated: 2024-01-24. Review status: criteria provided, single submitter. Criteria: Ambry Variant Classification Scheme 2023. Collection method: clinical testing. Allele origin: germline.
Comment: The p.T506A variant (also known as c.1516A>G), located in coding exon 13 of the RAF1 gene, results from an A to G substitution at nucleotide position 1516. The threonine at codon 506 is replaced by alanine, an amino acid with similar properties. Functional studies by one group suggest this variant may not impact Raf kinase activity; however, additional evidence is needed to confirm this finding (Chong H et al. EMBO J. 2001 Jul;20(14):3716-27). This amino acid position is not well conserved in available vertebrate species. In addition, the in silico prediction for this alteration is inconclusive. Based on the available evidence, the clinical significance of this alteration remains unclear.

Literature cited by the submitters: PubMed 11447113 (cited by Ambry Genetics).